The following is an entry in ClinVar:

ClinVar aggregate classification (germline): Uncertain significance (1 of 4 stars; one submission).

Conditions:
Cystic fibrosis (CF). Also called: MUCOVISCIDOSIS. Identifiers: Orphanet 586, MedGen C0010674, MONDO:0009061, OMIM 219700. Disease mechanism: loss of function.

Allele frequency attached by ClinVar (database versions not stated): ExAC 0.00002; gnomAD 0.00004; gnomAD exomes 0.00001; TOPMed 0.00004.
gnomAD v4.1: 11 of 1,596,198 alleles (0.00069%); highest among the groups gnomAD compares: African/African-American, 0.011%; no homozygotes.

Submission:

Labcorp Genetics (formerly Invitae), Labcorp
Classification: Uncertain significance for Cystic fibrosis. Last evaluated: 2024-08-31. Review status: criteria provided, single submitter. Criteria: Invitae Variant Classification Sherloc (09022015). Collection method: clinical testing. Allele origin: germline.
Comment: This sequence change replaces valine, which is neutral and non-polar, with isoleucine, which is neutral and non-polar, at codon 603 of the CFTR protein (p.Val603Ile). This variant is present in population databases (rs143036685, gnomAD 0.01%). This variant has not been reported in the literature in individuals affected with CFTR-related conditions. ClinVar contains an entry for this variant (Variation ID: 1393517). Invitae Evidence Modeling of protein sequence and biophysical properties (such as structural, functional, and spatial information, amino acid conservation, physicochemical variation, residue mobility, and thermodynamic stability) indicates that this missense variant is expected to disrupt CFTR protein function with a positive predictive value of 80%. In summary, the available evidence is currently insufficient to determine the role of this variant in disease. Therefore, it has been classified as a Variant of Uncertain Significance.

NM_000492.4(CFTR):c.1807G>A (p.Val603Ile)

Gene: CFTR (CF transmembrane conductance regulator; plus strand). Cytogenetic location: 7q31.2.
Variant type: single nucleotide variant.
Coding change: c.1807G>A on transcript NM_000492.4 (MANE Select); coding-DNA position 1807, G replaced by A.
Protein change: p.Val603Ile; replaces valine 603 with isoleucine.
Molecular consequence: missense variant.
Genome position (GRCh38, 1-based): chr7:117,591,974, G>A. VCF-style: chr7-117591974-G-A. GRCh37 (hg19) VCF-style: chr7-117232028-G-A.
Other names: short protein forms V603I.
Identifiers: ClinVar variation 1393517 (VCV001393517.7), dbSNP rs143036685, ClinGen allele CA4451099.